The following is an entry in ClinVar:

ClinVar aggregate classification (germline): Likely benign (1 of 4 stars; one submission).

Submission:

CeGaT Center for Human Genetics Tuebingen
Classification: Likely benign. Last evaluated: 2026-05-01. Review status: criteria provided, single submitter. Criteria: CeGaT Center For Human Genetics Tuebingen Variant Classification Criteria Version 2. Collection method: clinical testing. Allele origin: germline. Affected: yes. Observed: 1 variant allele.
Comment: ZNF280B: PM2:Supporting, BP4, BP7

NM_080764.4(ZNF280B):c.1119T>A (p.Thr373=)

Genes: IGL (immunoglobulin lambda locus; plus strand), ZNF280B (zinc finger protein 280B; minus strand). Cytogenetic location: 22q11.22.
Variant type: single nucleotide variant.
Coding change: c.1119T>A on transcript NM_080764.4 (MANE Select); coding-DNA position 1119, T replaced by A.
Protein change: p.Thr373=; no amino-acid change (threonine 373 retained).
Molecular consequence: synonymous variant. On other transcripts: non-coding transcript variant (1).
Genome position (GRCh38, 1-based): chr22:22,488,280, A>T on the plus strand (T>A on the coding strand, the complement: ZNF280B is on the minus strand). VCF-style: chr22-22488280-A-T. GRCh37 (hg19) VCF-style: chr22-22842605-A-T.
Identifiers: ClinVar variation 4872772 (VCV004872772.2).
Genomic context (GRCh38, chr22:22,488,280, plus strand): 5'-CTTCATGTGTTGTAAGAGGACCTGATCTGTTTCAAATGACAATTCACAGATTTTACAGAC[A>T]GTAGAGGGCTCCTGGGCAGTGTGGACATTTTCGATGTGACACTGTAGCTGGAAGGGAGTG-3'
Protein context (NP_542942.2, residues 363-383): ENVHTAQEPS[Thr373=]VCKICELSFE